The following is an entry in ClinVar:

NM_020745.4(AARS2):c.1580-48C>T

Gene: AARS2 (alanyl-tRNA synthetase 2, mitochondrial; minus strand). Cytogenetic location: 6p21.1.
Variant type: single nucleotide variant.
Coding change: c.1580-48C>T on transcript NM_020745.4 (MANE Select); 48 bases into the intron before coding-DNA position 1580, C replaced by T.
Molecular consequence: intron variant.
Genome position (GRCh38, 1-based): chr6:44,304,865, G>A on the plus strand (C>T on the coding strand, the complement: AARS2 is on the minus strand). VCF-style: chr6-44304865-G-A. GRCh37 (hg19) VCF-style: chr6-44272602-G-A.
Identifiers: ClinVar variation 677595 (VCV000677595.2), dbSNP rs76002081, ClinGen allele CA3834277.
Genomic context (GRCh38, chr6:44,304,865, plus strand): 5'-CAGGTGCCGAACTCTGCCAGGGCACAGAATGGTTATTAGTGGTGGGCAGGGGCTGGGGAC[G>A]TGAAGGTGGGTCTGTGCCTGGAGGCCAACAAGCACCCCCGCTGGCAGGGGCACTTCCAGC-3'

ClinVar aggregate classification (germline): Likely benign. Review status: criteria provided, multiple submitters, no conflicts (2 of 4 stars). 2 submissions from 2 submitters: Likely benign (2). Last evaluated 2018-06-14.

Allele frequency attached by ClinVar (database versions not stated): gnomAD 0.01064; 1000 Genomes Project 0.01138; TOPMed 0.01143; ESP Exome Variant Server 0.01177; 1000 Genomes Project 30x 0.01218.
gnomAD v4.1: 3,224 of 1,612,880 alleles (0.2%); highest among the groups gnomAD compares: African/African-American, 3.7%; 38 homozygotes.

Submissions (2):

GeneDx
Classification: Likely benign. Last evaluated: 2018-06-14. Review status: criteria provided, single submitter. Criteria: GeneDx Variant Classification (06012015). Collection method: clinical testing. Allele origin: germline. Affected: yes.
Comment: This variant is considered likely benign or benign based on one or more of the following criteria: it is a conservative change, it occurs at a poorly conserved position in the protein, it is predicted to be benign by multiple in silico algorithms, and/or has population frequency not consistent with disease.

Breakthrough Genomics
Classification: Likely benign. Review status: criteria provided, single submitter. Criteria: ACMG Guidelines, 2015. Collection method: not provided. Allele origin: germline. Inheritance: Autosomal recessive inheritance. Affected: yes.